The following is an entry in ClinVar:

NC_000002.11:g.(?_198351770)_(198351942_?)dup

Gene: HSPD1 (heat shock protein family D (Hsp60) member 1; minus strand). Cytogenetic location: 2q33.1.
Variant type: Duplication.
Identifiers: ClinVar variation 2424360 (VCV002424360.4).

ClinVar aggregate classification (germline): Uncertain significance (1 of 4 stars; one submission).

Conditions:
Spastic paraplegia. Identifiers: MedGen C0037772, HP:0001258.

Submission:

Labcorp Genetics (formerly Invitae), Labcorp
Classification: Uncertain significance for Spastic paraplegia. Last evaluated: 2022-07-21. Review status: criteria provided, single submitter. Criteria: Invitae Variant Classification Sherloc (09022015). Collection method: clinical testing. Allele origin: germline.
Comment: This variant results in a copy number gain of the genomic region encompassing exon(s) 12 of the HSPD1 gene. This region includes the termination codon of the gene. This copy number gain extends beyond the assayed region for this gene and therefore may encompass additional genes. As the precise location of this event is unknown, it may be in tandem or it may be located elsewhere in the genome. This variant has not been reported in the literature in individuals affected with HSPD1-related conditions. Experimental studies and prediction algorithms are not available or were not evaluated, and the functional significance of this variant is currently unknown. In summary, the available evidence is currently insufficient to determine the role of this variant in disease. Therefore, it has been classified as a Variant of Uncertain Significance.